The following is an entry in ClinVar:

ClinVar aggregate classification (germline): Uncertain significance (1 of 4 stars; one submission).

Submission:

Labcorp Genetics (formerly Invitae), Labcorp
Classification: Uncertain significance. Last evaluated: 2021-03-22. Review status: criteria provided, single submitter. Criteria: Invitae Variant Classification Sherloc (09022015). Collection method: clinical testing. Allele origin: germline.
Comment: In summary, the available evidence is currently insufficient to determine the role of this variant in disease. Therefore, it has been classified as a Variant of Uncertain Significance. Experimental studies and prediction algorithms are not available or were not evaluated, and the functional significance of this variant is currently unknown. This variant has not been reported in the literature in individuals with REST-related conditions. This variant is not present in population databases (ExAC no frequency). This variant, c.96_98dup, results in the insertion of 1 amino acid(s) to the REST protein (p.Asp32_Leu33insPhe), but otherwise preserves the integrity of the reading frame.

NM_005612.5(REST):c.96_98dup (p.Asp32_Leu33insPhe)

Gene: REST (RE1 silencing transcription factor; plus strand). Cytogenetic location: 4q12.
Variant type: Duplication.
Coding change: c.96_98dup on transcript NM_005612.5 (MANE Select); coding-DNA positions 96 to 98, 3 bases duplicated (CTT; older notation c.96_98dupCTT).
Protein change: p.Asp32_Leu33insPhe.
Molecular consequence: inframe insertion. On other transcripts: inframe indel (2).
Genome position (GRCh38, 1-based): chr4:56,910,734-56,910,736, CTT duplicated. VCF-style (leftmost placement, unchanged base first): chr4-56910733-A-ACTT. GRCh37 (hg19) VCF-style: chr4-57776899-A-ACTT.
Other names: c.96_98dup, p.Asp32_Leu33insPhe (NM_001193508.2, NM_001363453.3).
Identifiers: ClinVar variation 1404692 (VCV001404692.8), dbSNP rs2109522606, ClinGen allele CA2573138341.